The following is an entry in ClinVar:

ClinVar aggregate classification (germline): Uncertain significance (1 of 4 stars; one submission).

Conditions:
Congenital disorder of glycosylation (CDG). Also called: Congenital disorders of glycosylation; Carbohydrate-deficient glycoprotein syndrome. Identifiers: Orphanet 137, MedGen C0282577, MONDO:0015286.

Allele frequency attached by ClinVar (database versions not stated): gnomAD 0.00006; TOPMed 0.00009; ESP Exome Variant Server 0.00015; ExAC 0.00016.
gnomAD v4.1: 172 of 1,613,916 alleles (0.011%); highest among the groups gnomAD compares: Middle Eastern, 0.25%; 2 homozygotes.

Submission:

Labcorp Genetics (formerly Invitae), Labcorp
Classification: Uncertain significance for Congenital disorder of glycosylation. Last evaluated: 2025-11-15. Review status: criteria provided, single submitter. Criteria: Invitae Variant Classification Sherloc (09022015). Collection method: clinical testing. Allele origin: germline.
Comment: This sequence change replaces alanine, which is neutral and non-polar, with threonine, which is neutral and polar, at codon 239 of the RPN2 protein (p.Ala239Thr). This variant is present in population databases (rs373475376, gnomAD 0.05%). This variant has not been reported in the literature in individuals affected with RPN2-related conditions. ClinVar contains an entry for this variant (Variation ID: 2052130). An algorithm developed to predict the effect of missense changes on protein structure and function outputs the following: PolyPhen-2: "Benign". The threonine amino acid residue is found in multiple mammalian species, which suggests that this missense change does not adversely affect protein function. In summary, the available evidence is currently insufficient to determine the role of this variant in disease. Therefore, it has been classified as a Variant of Uncertain Significance.

NM_002951.5(RPN2):c.715G>A (p.Ala239Thr)

Gene: RPN2 (ribophorin II; plus strand). Cytogenetic location: 20q11.23.
Variant type: single nucleotide variant.
Coding change: c.715G>A on transcript NM_002951.5 (MANE Select); coding-DNA position 715, G replaced by A.
Protein change: p.Ala239Thr; replaces alanine 239 with threonine.
Molecular consequence: missense variant.
Genome position (GRCh38, 1-based): chr20:37,207,297, G>A. VCF-style: chr20-37207297-G-A. GRCh37 (hg19) VCF-style: chr20-35835700-G-A.
Other names: c.619G>A, p.Ala207Thr (NM_001135771.3); c.715G>A, p.Ala239Thr (NM_001324299.2, NM_001324302.2, NM_001324303.2 and 1 more transcripts); c.763G>A, p.Ala255Thr (NM_001324301.2, NM_001324305.2); c.244G>A, p.Ala82Thr (NM_001324306.2); short protein forms A239T, A82T, A207T, A255T.
Identifiers: ClinVar variation 2052130 (VCV002052130.4), dbSNP rs373475376, ClinGen allele CA9846973.
Genomic context (GRCh38, chr20:37,207,297, plus strand): 5'-AGGAAGAGAAACAGCTGCATTTCGCATTTCTTTCAGGATCAGGTCATCCAGCTGATGAAC[G>A]CGATCTTCAGCAAGAAGAACTTTGAGTCCCTCTCCGAAGCCTTCAGCGTGGCCTCTGCAG-3'
Protein context (NP_002942.2, residues 229-249): KEDQVIQLMN[Ala239Thr]IFSKKNFESL